The following is an entry in ClinVar:

NM_001378457.1(DMXL2):c.8876C>G (p.Thr2959Arg)

Genes: DMXL2 (Dmx like 2; minus strand), LOC126862131 (MED14-independent group 3 enhancer GRCh37_chr15:51741640-51742839; plus strand). Cytogenetic location: 15q21.2.
Variant type: single nucleotide variant.
Coding change: c.8876C>G on transcript NM_001378457.1 (MANE Select); coding-DNA position 8876, C replaced by G.
Protein change: p.Thr2959Arg; replaces threonine 2959 with arginine.
Molecular consequence: missense variant. On other transcripts: non-coding transcript variant (2).
Genome position (GRCh38, 1-based): chr15:51,450,220, G>C on the plus strand (C>G on the coding strand, the complement: DMXL2 is on the minus strand). VCF-style: chr15-51450220-G-C. GRCh37 (hg19) VCF-style: chr15-51742417-G-C.
Other names: c.8813C>G, p.Thr2938Arg (NM_001174116.3); c.6902C>G, p.Thr2301Arg (NM_001174117.3); c.8873C>G, p.Thr2958Arg (NM_001378458.1); c.8588C>G, p.Thr2863Arg (NM_001378459.1); c.6791C>G, p.Thr2264Arg (NM_001378460.1); c.8810C>G, p.Thr2937Arg (NM_015263.5); short protein forms T2301R, T2863R, T2938R, T2264R, T2937R, T2958R, T2959R.
Identifiers: ClinVar variation 1478745 (VCV001478745.8), dbSNP rs374931009, ClinGen allele CA392429500.
Genomic context (GRCh38, chr15:51,450,220, plus strand): 5'-AAATATTCCTCATAGGGATCCAAGGCCAGAGCCTTAATAGCTGAGTCATGGGCCTGGAAC[G>C]TGTGAATGAGCTGCCTTTGCCTGATGTCAAAAATGCAGACGTGTCCTTTCCTACCCCCCG-3'
Protein context (NP_001365386.1, residues 2949-2969): FDIRQRQLIH[Thr2959Arg]FQAHDSAIKA

ClinVar aggregate classification (germline): Uncertain significance (1 of 4 stars; one submission).

gnomAD v4.1: 2 of 1,614,046 alleles (0.00012%); highest among the groups gnomAD compares: Non-Finnish European, 0.00017%; no homozygotes.

Submission:

Labcorp Genetics (formerly Invitae), Labcorp
Classification: Uncertain significance. Last evaluated: 2021-04-25. Review status: criteria provided, single submitter. Criteria: Invitae Variant Classification Sherloc (09022015). Collection method: clinical testing. Allele origin: germline.
Comment: In summary, the available evidence is currently insufficient to determine the role of this variant in disease. Therefore, it has been classified as a Variant of Uncertain Significance. Algorithms developed to predict the effect of missense changes on protein structure and function are either unavailable or do not agree on the potential impact of this missense change (SIFT: "Tolerated"; PolyPhen-2: "Probably Damaging"; Align-GVGD: "Class C0"). This variant has not been reported in the literature in individuals with DMXL2-related conditions. This variant is not present in population databases (ExAC no frequency). This sequence change replaces threonine with arginine at codon 2938 of the DMXL2 protein (p.Thr2938Arg). The threonine residue is moderately conserved and there is a moderate physicochemical difference between threonine and arginine.